The following is an entry in ClinVar:

ClinVar aggregate classification (germline): Benign (0 of 4 stars; one submission).

Conditions:
MUC16-related disorder. Also called: MUC16-related condition.

Allele frequency attached by ClinVar (database versions not stated): ExAC 0.00696; ESP Exome Variant Server 0.02298; gnomAD 0.02346; 1000 Genomes Project 0.03295; 1000 Genomes Project 30x 0.03451.

Submission:

PreventionGenetics, part of Exact Sciences
Classification: Benign for MUC16-related condition. Last evaluated: 2020-02-18. Review status: no assertion criteria provided. Collection method: clinical testing. Allele origin: germline.
Comment: This variant is classified as benign based on ACMG/AMP sequence variant interpretation guidelines (Richards et al. 2015 PMID: 25741868, with internal and published modifications).

NM_001401501.2(MUC16):c.37844C>A (p.Thr12615Asn)

Gene: MUC16 (mucin 16, cell surface associated; minus strand). Cytogenetic location: 19p13.2.
Variant type: single nucleotide variant.
Coding change: c.37844C>A on transcript NM_001401501.2 (MANE Select); coding-DNA position 37844, C replaced by A.
Protein change: p.Thr12615Asn; replaces threonine 12615 with asparagine.
Molecular consequence: missense variant.
Genome position (GRCh38, 1-based): chr19:8,907,840, G>T on the plus strand (C>A on the coding strand, the complement: MUC16 is on the minus strand). VCF-style: chr19-8907840-G-T. GRCh37 (hg19) VCF-style: chr19-9018516-G-T.
Other names: c.38270C>A, p.Thr12757Asn (NM_001414686.1); c.37724C>A, p.Thr12575Asn (NM_001414687.1); c.37658C>A, p.Thr12553Asn (NM_024690.2); short protein forms T12553N, T12575N, T12615N, T12757N.
Identifiers: ClinVar variation 3037703 (VCV003037703.2), dbSNP rs112467181, ClinGen allele CA9165003.
Genomic context (GRCh38, chr19:8,907,840, plus strand): 5'-TCAGTGGTGTTGAACTTCCTGGAGCCAGGGCGATGCATGTCCTCCTCATACTTCAGGTTG[G>T]TGATGGTGAAGTTGAGGGTGAACAGCACCAGGAGAGGGCCAGCAGCTGTAGTGGGAATTG-3'
Protein context (NP_001388430.1, residues 12605-12625): LVLFTLNFTI[Thr12615Asn]NLKYEEDMHR